The following is an entry in ClinVar:

NM_001080421.3(UNC13A):c.3180G>A (p.Glu1060=)

Gene: UNC13A (unc-13 homolog A; minus strand). Cytogenetic location: 19p13.11.
Variant type: single nucleotide variant.
Coding change: c.3180G>A on transcript NM_001080421.3 (MANE Select); coding-DNA position 3180, G replaced by A.
Protein change: p.Glu1060=; no amino-acid change (glutamic acid 1060 retained).
Molecular consequence: synonymous variant.
Genome position (GRCh38, 1-based): chr19:17,636,059, C>T on the plus strand (G>A on the coding strand, the complement: UNC13A is on the minus strand). VCF-style: chr19-17636059-C-T. GRCh37 (hg19) VCF-style: chr19-17746868-C-T.
Other names: c.3174G>A, p.Glu1058= (NM_001387021.1, NM_001387022.1, NM_001387023.1).
Identifiers: ClinVar variation 752965 (VCV000752965.5), dbSNP rs368571508, ClinGen allele CA9298073.
Genomic context (GRCh38, chr19:17,636,059, plus strand): 5'-TTAACTACACAGATACACAACTCACTGGTTGAGGCAGGGAGTGTAGGAATTCTTGTCTTC[C>T]TCAATGATGGACACTATGAGGGTAATCAGCTTGGACCAGAAGTCGAGGTTCTTGATGCTG-3'
Protein context (NP_001073890.2, residues 1050-1070): KLITLIVSII[Glu1060=]EDKNSYTPCL

ClinVar aggregate classification (germline): Likely benign. Review status: criteria provided, single submitter (1 of 4 stars). 2 submissions from 2 submitters: Likely benign (1). 1 of the submissions does not count toward it. Last evaluated 2018-11-16.

Conditions:
UNC13A-related disorder. Also called: UNC13A-related condition.

Allele frequency attached by ClinVar (database versions not stated): gnomAD 0.00024 and 0.00025; TOPMed 0.00026; ESP Exome Variant Server 0.00049.
gnomAD v4.1: 512 of 1,612,324 alleles (0.032%); highest among the groups gnomAD compares: Non-Finnish European, 0.039%; no homozygotes.

Submissions (2):

Labcorp Genetics (formerly Invitae), Labcorp
Classification: Likely benign. Last evaluated: 2018-11-16. Review status: criteria provided, single submitter. Criteria: Invitae Variant Classification Sherloc (09022015). Collection method: clinical testing. Allele origin: germline.

PreventionGenetics, part of Exact Sciences
Classification: Likely benign for UNC13A-related condition. Last evaluated: 2019-05-10. Review status: no assertion criteria provided. Collection method: clinical testing. Allele origin: germline. Not counted in ClinVar's aggregate classification.
Comment: This variant is classified as likely benign based on ACMG/AMP sequence variant interpretation guidelines (Richards et al. 2015 PMID: 25741868, with internal and published modifications).